The following is an entry in ClinVar:

NM_024422.6(DSC2):c.-35_26del (p.Met1fs)

Genes: DSC2 (desmocollin 2; minus strand), DSCAS (DSC1/DSC2 antisense RNA; plus strand). Cytogenetic location: 18q12.1.
Variant type: Deletion.
Coding change: c.-35_26del on transcript NM_024422.6 (MANE Select); 35 bases upstream of the start codon through coding-DNA position 26, 61 bases deleted.
Protein change: p.Met1fs; shifts the reading frame from methionine 1.
Molecular consequence: frameshift variant, initiator codon variant.
Genome position (GRCh38, 1-based): chr18:31,101,946-31,102,006, 61 bases deleted. GRCh37 (hg19): chr18:28,681,910-28,681,970.
Other names: c.-35_26del, p.Met1fs (NM_004949.5); short protein forms M1fs.
Identifiers: ClinVar variation 3728707 (VCV003728707.2).

ClinVar aggregate classification (germline): Uncertain significance (1 of 4 stars; one submission).

Conditions:
Arrhythmogenic right ventricular dysplasia 11. Also called: ARRHYTHMOGENIC RIGHT VENTRICULAR DYSPLASIA, FAMILIAL, 11; Arrhythmogenic Right Ventricular Dysplasia/Cardiomyopathy11; Arrhythmogenic right ventricular dysplasia 11 with mild palmoplantar keratoderma and woolly hair. Identifiers: MedGen C1864850, MONDO:0012506, OMIM 610476.

Submission:

Labcorp Genetics (formerly Invitae), Labcorp
Classification: Uncertain significance for Arrhythmogenic right ventricular dysplasia 11. Last evaluated: 2025-01-08. Review status: criteria provided, single submitter. Criteria: Invitae Variant Classification Sherloc (09022015). Collection method: clinical testing. Allele origin: germline.
Comment: This sequence change affects the initiator methionine of the DSC2 mRNA. The next in-frame methionine is located at codon 144. This variant is not present in population databases (gnomAD no frequency). This variant has not been reported in the literature in individuals affected with DSC2-related conditions. This variant disrupts a region of the DSC2 protein in which other variant(s) (p.Glu2Lys) have been observed in individuals with DSC2-related conditions (PMID: 20864495). This suggests that this is a clinically significant region of the protein, and that variants that disrupt it are likely to be disease-causing. In summary, the available evidence is currently insufficient to determine the role of this variant in disease. Therefore, it has been classified as a Variant of Uncertain Significance.

Literature cited by the submitters: PubMed 20864495.